The following is an entry in ClinVar:

ClinVar aggregate classification (germline): Uncertain significance. Review status: criteria provided, multiple submitters, no conflicts (2 of 4 stars). 2 submissions from 2 submitters: Uncertain significance (2). Last evaluated 2025-09-20.

Conditions:
Cardiomyopathy (CMYO). Also called: Cardiomyopathies. Identifiers: Orphanet 167848, MedGen C0878544, MONDO:0004994, HP:0001638. Inheritance: Various modes of inheritance.
Hypertrophic cardiomyopathy. Also called: HYPERTROPHIC MYOCARDIOPATHY. Identifiers: Orphanet 217569, MedGen C0007194, MeSH D002312, MONDO:0005045, HP:0001639.

Submissions (2):

Labcorp Genetics (formerly Invitae), Labcorp
Classification: Uncertain significance for Hypertrophic cardiomyopathy. Last evaluated: 2025-09-20. Review status: criteria provided, single submitter. Criteria: Invitae Variant Classification Sherloc (09022015). Collection method: clinical testing. Allele origin: germline.
Comment: This sequence change creates a premature translational stop signal (p.Glu156*) in the TPM1 gene. It is expected to result in an absent or disrupted protein product. However, the current clinical and genetic evidence is not sufficient to establish whether loss-of-function variants in TPM1 cause disease. This variant is not present in population databases (gnomAD no frequency). This variant has not been reported in the literature in individuals affected with TPM1-related conditions. In summary, the available evidence is currently insufficient to determine the role of this variant in disease. Therefore, it has been classified as a Variant of Uncertain Significance.

Color Diagnostics, LLC DBA Color Health
Classification: Uncertain significance for Cardiomyopathy. Last evaluated: 2025-07-10. Review status: criteria provided, single submitter. Criteria: ACMG Guidelines, 2015. Collection method: clinical testing. Allele origin: germline.
Comment: This variant changes 1 nucleotide in exon 4 of the TPM1 gene, creating a premature translation stop signal. This variant is expected to result in an absent or non-functional protein product. To our knowledge, this variant has not been reported in individuals affected with TPM1-related disorders in the literature. This variant has not been identified in the general population by the Genome Aggregation Database (gnomAD). The role of loss-of-function truncation and splice variants in the TPM1 gene in cardiovascular disorders is not clearly understood. The available evidence is insufficient to determine the role of this variant in disease conclusively. Therefore, this variant is classified as a Variant of Uncertain Significance.

NM_001018005.2(TPM1):c.466G>T (p.Glu156Ter)

Gene: TPM1 (tropomyosin 1; plus strand). Cytogenetic location: 15q22.2.
Variant type: single nucleotide variant.
Coding change: c.466G>T on transcript NM_001018005.2 (MANE Select); coding-DNA position 466, G replaced by T.
Protein change: p.Glu156Ter; replaces glutamic acid 156 with a stop codon.
Molecular consequence: nonsense. On other transcripts: non-coding transcript variant (17).
Genome position (GRCh38, 1-based): chr15:63,059,654, G>T. VCF-style: chr15-63059654-G-T. GRCh37 (hg19) VCF-style: chr15-63351853-G-T.
Other names: c.466G>T, p.Glu156Ter (NM_000366.6, NM_001018004.2, NM_001018006.2 and 20 more transcripts); c.358G>T, p.Glu120Ter (NM_001018008.2, NM_001301289.2, NM_001330344.2 and 9 more transcripts); c.592G>T, p.Glu198Ter (NM_001365778.1, NM_001407322.1, NM_001407323.1 and 1 more transcripts); short protein forms E120*, E156*, E198*.
Identifiers: ClinVar variation 4758422 (VCV004758422.2).
Genomic context (GRCh38, chr15:63,059,654, plus strand): 5'-AAAGATGAAGAAAAAATGGAAATTCAGGAGATCCAACTGAAAGAGGCCAAGCACATTGCT[G>T]AAGATGCCGACCGCAAATATGAAGAGGTCAGATCCTGGGGCCCAAAGCCTTGTGGACACC-3'